The following is an entry in ClinVar:

ClinVar aggregate classification (germline): Pathogenic (1 of 4 stars; one submission).

Conditions:
Autosomal dominant nonsyndromic hearing loss 28. Identifiers: Orphanet 90635, MedGen C1837640, MONDO:0012083, OMIM 608641.

Submission:

Victorian Clinical Genetics Services, Murdoch Childrens Research Institute
Classification: Pathogenic for Autosomal dominant nonsyndromic hearing loss 28. Last evaluated: 2024-09-11. Review status: criteria provided, single submitter. Criteria: ACMG Guidelines, 2015. Collection method: clinical testing. Allele origin: germline. Affected: yes.
Comment: This variant is classified as Pathogenic. Evidence in support of pathogenic classification:Intragenic copy number variant resulting in an out of frame deletion of exon 4 (of 16) and is predicted to cause nonsense-mediated decay (NMD) and loss of protein (premature termination codon is located at least 54 nucleotides upstream of the final exon-exon junction). Other NMD-predicted variants comparable to the one identified in this case have very strongprevious evidence for pathogenicity (ClinVar, PMIDs: 33229591, 27911912, 23813623, 33810548). Additional information: Both loss- and gain-of-function are known mechanisms of disease for this gene. Variants causing autosomal dominant deafness and autosomal recessive ectodermal dysplasia/short stature syndrome are due to a loss of function, however variants observed in autosomal dominant corneal dystrophy result in a gain of function (OMIM). This gene is known to be associated with both recessive and dominant disease. Deafness and corneal dystrophy are both dominantly inherited, whereas ectodermal dysplasia/short stature syndrome is a recessive condition (OMIM). This variant is heterozygous. Variant is absent from gnomAD (SV v2, v4 and CNV v4). This variant has no previous evidence of pathogenicity. No published segregation evidence has been identified for this variant. No published functional evidence has been identified for this variant. Inheritance information for this variant is not currently available in this individual

NM_024915.4(GRHL2):c.284+2039_678+217del

Gene: GRHL2 (grainyhead like transcription factor 2; plus strand). Cytogenetic location: 8q22.3.
Variant type: Deletion.
Coding change: c.284+2039_678+217del on transcript NM_024915.4 (MANE Select); 2039 bases into the intron after coding-DNA position 284 through 217 bases into the intron after coding-DNA position 678, 4,209 bases deleted.
Molecular consequence: splice acceptor variant, splice donor variant.
Genome position (GRCh38, 1-based): chr8:101,554,821-101,559,029, 4,209 bases deleted. GRCh37 (hg19): chr8:102,567,049-102,571,257.
Other names: c.284+2039_678+217del (NM_001440447.1); c.236+2039_630+217del (NM_001330593.2, NM_001440448.1).
Identifiers: ClinVar variation 4528931 (VCV004528931.1).